The following is an entry in ClinVar:

ClinVar aggregate classification (germline): Uncertain significance (1 of 4 stars; one submission).

Conditions:
RP1-related disorder. Also called: RP1-related condition.

gnomAD v4.1: 10 of 1,613,428 alleles (0.00062%); highest among the groups gnomAD compares: Admixed American, 0.017%; no homozygotes.

Submission:

PreventionGenetics, part of Exact Sciences
Classification: Uncertain significance for RP1-related condition. Last evaluated: 2025-03-29. Review status: criteria provided, single submitter. Criteria: ACMG Guidelines, 2015. Collection method: clinical testing. Allele origin: germline.
Comment: The RP1 c.4553A>G variant is predicted to result in the amino acid substitution p.Lys1518Arg. To our knowledge, this variant has not been reported in the literature. This variant is reported in 0.017% of alleles in individuals of Latino descent in gnomAD. At this time, the clinical significance of this variant is uncertain due to the absence of conclusive functional and genetic evidence.

NM_006269.2(RP1):c.4553A>G (p.Lys1518Arg)

Gene: RP1 (RP1 axonemal microtubule associated; plus strand). Cytogenetic location: 8q12.1.
Variant type: single nucleotide variant.
Coding change: c.4553A>G on transcript NM_006269.2 (MANE Select); coding-DNA position 4553, A replaced by G.
Protein change: p.Lys1518Arg; replaces lysine 1518 with arginine.
Molecular consequence: missense variant. On other transcripts: intron variant (1).
Genome position (GRCh38, 1-based): chr8:54,628,435, A>G. VCF-style: chr8-54628435-A-G. GRCh37 (hg19) VCF-style: chr8-55540995-A-G.
Other names: c.787+6147A>G (NM_001375654.1); short protein forms K1518R.
Identifiers: ClinVar variation 4982273 (VCV004982273.1).